The following is an entry in ClinVar:

NM_000081.4(LYST):c.6796G>C (p.Val2266Leu)

Gene: LYST (lysosomal trafficking regulator; minus strand). Cytogenetic location: 1q42.3.
Variant type: single nucleotide variant.
Coding change: c.6796G>C on transcript NM_000081.4 (MANE Select); coding-DNA position 6796, G replaced by C.
Protein change: p.Val2266Leu; replaces valine 2266 with leucine.
Molecular consequence: missense variant.
Genome position (GRCh38, 1-based): chr1:235,759,057, C>G on the plus strand (G>C on the coding strand, the complement: LYST is on the minus strand). VCF-style: chr1-235759057-C-G. GRCh37 (hg19) VCF-style: chr1-235922357-C-G.
Other names: c.6796G>C, p.Val2266Leu (NM_001301365.1); short protein forms V2266L.
Identifiers: ClinVar variation 855810 (VCV000855810.4), dbSNP rs530034435, ClinGen allele CA1466307.

ClinVar aggregate classification (germline): Uncertain significance (1 of 4 stars; one submission).

Conditions:
Chédiak-Higashi syndrome (CHS). Also called: Chediak-Higashi Syndrome. Identifiers: Orphanet 167, MedGen C0007965, MONDO:0008963, OMIM 214500.

Allele frequency attached by ClinVar (database versions not stated): TOPMed below 0.00001; ExAC 0.00002; 1000 Genomes Project 30x 0.00016; 1000 Genomes Project 0.00020.
gnomAD v4.1: 4 of 1,614,126 alleles (0.00025%); highest among the groups gnomAD compares: East Asian, 0.0089%; no homozygotes.

Submission:

Labcorp Genetics (formerly Invitae), Labcorp
Classification: Uncertain significance for Chédiak-Higashi syndrome. Last evaluated: 2021-09-01. Review status: criteria provided, single submitter. Criteria: Invitae Variant Classification Sherloc (09022015). Collection method: clinical testing. Allele origin: germline.
Comment: This sequence change replaces valine with leucine at codon 2266 of the LYST protein (p.Val2266Leu). The valine residue is weakly conserved and there is a small physicochemical difference between valine and leucine. This variant is present in population databases (rs530034435, ExAC 0.02%). This variant has not been reported in the literature in individuals affected with LYST-related conditions. Algorithms developed to predict the effect of missense changes on protein structure and function (SIFT, PolyPhen-2, Align-GVGD) all suggest that this variant is likely to be tolerated. In summary, the available evidence is currently insufficient to determine the role of this variant in disease. Therefore, it has been classified as a Variant of Uncertain Significance.